The following is an entry in ClinVar:

NM_014921.5(ADGRL1):c.1922A>G (p.His641Arg)

Genes: ADGRL1 (adhesion G protein-coupled receptor L1; minus strand), ADGRL1-AS1 (ADGRL1 antisense RNA 1; plus strand). Cytogenetic location: 19p13.12.
Variant type: single nucleotide variant.
Coding change: c.1922A>G on transcript NM_014921.5 (MANE Select); coding-DNA position 1922, A replaced by G.
Protein change: p.His641Arg; replaces histidine 641 with arginine.
Molecular consequence: missense variant.
Genome position (GRCh38, 1-based): chr19:14,159,502, T>C on the plus strand (A>G on the coding strand, the complement: ADGRL1 is on the minus strand). VCF-style: chr19-14159502-T-C. GRCh37 (hg19) VCF-style: chr19-14270314-T-C.
Other names: c.1937A>G, p.His646Arg (NM_001008701.3); short protein forms H641R, H646R.
Identifiers: ClinVar variation 3725950 (VCV003725950.2).

ClinVar aggregate classification (germline): Uncertain significance (1 of 4 stars; one submission).

gnomAD v4.1: 3 of 1,613,056 alleles (0.00019%); highest among the groups gnomAD compares: Non-Finnish European, 0.00025%; no homozygotes.

Submission:

Labcorp Genetics (formerly Invitae), Labcorp
Classification: Uncertain significance. Last evaluated: 2024-11-24. Review status: criteria provided, single submitter. Criteria: Invitae Variant Classification Sherloc (09022015). Collection method: clinical testing. Allele origin: germline.
Comment: This sequence change replaces histidine, which is basic and polar, with arginine, which is basic and polar, at codon 646 of the ADGRL1 protein (p.His646Arg). This variant is not present in population databases (gnomAD no frequency). This variant has not been reported in the literature in individuals affected with ADGRL1-related conditions. An algorithm developed to predict the effect of missense changes on protein structure and function (PolyPhen-2) suggests that this variant is likely to be tolerated. In summary, the available evidence is currently insufficient to determine the role of this variant in disease. Therefore, it has been classified as a Variant of Uncertain Significance.